The following is an entry in ClinVar:

ClinVar aggregate classification (germline): Uncertain significance (1 of 4 stars; one submission).

Conditions:
Hereditary cancer-predisposing syndrome. Also called: Hereditary Cancer Syndrome; Tumor predisposition; Hereditary neoplastic syndrome; Neoplastic Syndromes, Hereditary. Identifiers: Orphanet 140162, MedGen C0027672, MeSH D009386, MONDO:0015356.

Submission:

Ambry Genetics
Classification: Uncertain significance for Hereditary cancer-predisposing syndrome. Last evaluated: 2024-09-16. Review status: criteria provided, single submitter. Criteria: Ambry Variant Classification Scheme 2023. Collection method: clinical testing. Allele origin: germline.
Comment: The p.E184V variant (also known as c.551A>T), located in coding exon 3 of the MSH3 gene, results from an A to T substitution at nucleotide position 551. The glutamic acid at codon 184 is replaced by valine, an amino acid with dissimilar properties. This amino acid position is conserved. In addition, the in silico prediction for this alteration is inconclusive. Based on the available evidence, the clinical significance of this variant remains unclear.

NM_002439.5(MSH3):c.551A>T (p.Glu184Val)

Gene: MSH3 (mutS homolog 3; plus strand). Cytogenetic location: 5q14.1.
Variant type: single nucleotide variant.
Coding change: c.551A>T on transcript NM_002439.5 (MANE Select); coding-DNA position 551, A replaced by T.
Protein change: p.Glu184Val; replaces glutamic acid 184 with valine.
Molecular consequence: missense variant.
Genome position (GRCh38, 1-based): chr5:80,665,335, A>T. VCF-style: chr5-80665335-A-T. GRCh37 (hg19) VCF-style: chr5-79961154-A-T.
Other names: short protein forms E184V.
Identifiers: ClinVar variation 3398726 (VCV003398726.1).